The following is an entry in ClinVar:

NM_001458.5(FLNC):c.2299G>T (p.Val767Leu)

Gene: FLNC (filamin C; plus strand). Cytogenetic location: 7q32.1.
Variant type: single nucleotide variant.
Coding change: c.2299G>T on transcript NM_001458.5 (MANE Select); coding-DNA position 2299, G replaced by T.
Protein change: p.Val767Leu; replaces valine 767 with leucine.
Molecular consequence: missense variant.
Genome position (GRCh38, 1-based): chr7:128,842,608, G>T. VCF-style: chr7-128842608-G-T. GRCh37 (hg19) VCF-style: chr7-128482662-G-T.
Other names: c.2299G>T, p.Val767Leu (NM_001127487.2); short protein forms V767L.
Identifiers: ClinVar variation 3515954 (VCV003515954.2).
Genomic context (GRCh38, chr7:128,842,608, plus strand): 5'-CACGCTGAGCTGCGACCCCTCCCGCAGGTGAACGTGGGCGAGGGCAGCCACCCCGAGCGG[G>T]TAAAGGTGTACGGCCCCGGAGTGGAGAAGACAGGCCTCAAGGCCAATGAGCCCACCTACT-3'
Protein context (NP_001449.3, residues 757-777): NVGEGSHPER[Val767Leu]KVYGPGVEKT

ClinVar aggregate classification (germline): Uncertain significance. Review status: criteria provided, multiple submitters, no conflicts (2 of 4 stars). 2 submissions from 2 submitters: Uncertain significance (2). Last evaluated 2025-01-15.

Conditions:
Cardiovascular phenotype. Identifiers: MedGen CN230736.

gnomAD v4.1: 3 of 1,549,928 alleles (0.00019%); highest among the groups gnomAD compares: Admixed American, 0.0039%; no homozygotes.

Submissions (2):

GeneDx
Classification: Uncertain significance. Last evaluated: 2025-01-15. Review status: criteria provided, single submitter. Criteria: GeneDx Variant Classification Process June 2021. Collection method: clinical testing. Allele origin: germline. Affected: yes.
Comment: Not observed at significant frequency in large population cohorts (gnomAD); In silico analysis supports that this missense variant has a deleterious effect on protein structure/function; Has not been previously published as pathogenic or benign to our knowledge

Ambry Genetics
Classification: Uncertain significance for Cardiovascular phenotype. Last evaluated: 2024-10-15. Review status: criteria provided, single submitter. Criteria: Ambry Variant Classification Scheme 2023. Collection method: clinical testing. Allele origin: germline.
Comment: The p.V767L variant (also known as c.2299G>T), located in coding exon 15 of the FLNC gene, results from a G to T substitution at nucleotide position 2299. The valine at codon 767 is replaced by leucine, an amino acid with highly similar properties. This amino acid position is conserved. In addition, this alteration is predicted to be deleterious by in silico analysis. Based on the available evidence, the clinical significance of this variant remains unclear.